The following is an entry in ClinVar:

ClinVar aggregate classification (germline): Uncertain significance (1 of 4 stars; one submission).

Allele frequency attached by ClinVar (database versions not stated): ExAC 0.00001.
gnomAD v4.1: 1 of 1,614,188 alleles (0.000062%); highest among the groups gnomAD compares: Admixed American, 0.0017%; no homozygotes.

Submission:

Labcorp Genetics (formerly Invitae), Labcorp
Classification: Uncertain significance. Last evaluated: 2022-11-15. Review status: criteria provided, single submitter. Criteria: Invitae Variant Classification Sherloc (09022015). Collection method: clinical testing. Allele origin: germline.
Comment: In summary, the available evidence is currently insufficient to determine the role of this variant in disease. Therefore, it has been classified as a Variant of Uncertain Significance. Algorithms developed to predict the effect of missense changes on protein structure and function (SIFT, PolyPhen-2, Align-GVGD) all suggest that this variant is likely to be tolerated. This variant has not been reported in the literature in individuals affected with TEAD1-related conditions. This variant is present in population databases (rs759396966, gnomAD 0.003%). This sequence change replaces proline, which is neutral and non-polar, with arginine, which is basic and polar, at codon 191 of the TEAD1 protein (p.Pro191Arg).

NM_021961.6(TEAD1):c.572C>G (p.Pro191Arg)

Gene: TEAD1 (TEA domain transcription factor 1; plus strand). Cytogenetic location: 11p15.3.
Variant type: single nucleotide variant.
Coding change: c.572C>G on transcript NM_021961.6 (MANE Select); coding-DNA position 572, C replaced by G.
Protein change: p.Pro191Arg; replaces proline 191 with arginine.
Molecular consequence: missense variant.
Genome position (GRCh38, 1-based): chr11:12,881,955, C>G. VCF-style: chr11-12881955-C-G. GRCh37 (hg19) VCF-style: chr11-12903502-C-G.
Other names: short protein forms P191R.
Identifiers: ClinVar variation 2985372 (VCV002985372.3), dbSNP rs759396966, ClinGen allele CA5891659.